The following is an entry in ClinVar:

ClinVar aggregate classification (germline): Uncertain significance (3 of 4 stars; one submission).

Conditions:
Malignant hyperthermia, susceptibility to, 1 (MHS1). Also called: RYR1-Related Malignant Hyperthermia Susceptibility; Anesthesia related hyperthermia; Malignant hyperpyrexia; Fulminating hyperpyrexia; Pharmacogenic myopathy; Malignant hyperthermia suceptibility 1. Identifiers: Orphanet 423, MedGen C2930980, MONDO:0007783, OMIM 145600.

Submission:

ClinGen Malignant Hyperthermia Susceptibility Variant Curation Expert Panel, ClinGen
Classification: Uncertain significance for Malignant hyperthermia, susceptibility to, 1. Last evaluated: 2025-08-01. Review status: reviewed by expert panel. Criteria: ClinGen MHS ACMG Specifications V2. Collection method: curation. Allele origin: germline. Inheritance: Autosomal dominant inheritance.
Comment: This pathogenicity assessment is relevant only for malignant hyperthermia susceptibility (MHS) inherited in an autosomal dominant pattern. Variants in RYR1 can also cause other myopathies inherited in an autosomal dominant pattern or in an autosomal recessive pattern. Some of these disorders may predispose individuals to malignant hyperthermia. RYR1 variants may also contribute to a malignant hyperthermia reaction in combination with other genetic and non-genetic factors and the clinician needs to consider such factors in making management decisions. This sequence variant predicts a substitution of proline with glutamine at codon 3410 of the RYR1 protein, p.(Pro3410Gln). This variant was not present in a large population database (gnomAD) at the time this variant was interpreted. To our knowledge this variant has not been reported in an individual with a personal or family history of an MH episode. No functional studies were identified for this variant. This variant does not reside in a hotspot for pathogenic variants that contribute to MHS. A REVEL score >0.85 (0.934) supports a pathogenic status for this variant, PP3_Moderate. This variant has been classified as a Variant of Unknown Significance. Criteria implemented: PP3_Moderate.

NM_000540.3(RYR1):c.10229C>A (p.Pro3410Gln)

Gene: RYR1 (ryanodine receptor 1; plus strand). Cytogenetic location: 19q13.2.
Variant type: single nucleotide variant.
Coding change: c.10229C>A on transcript NM_000540.3 (MANE Select); coding-DNA position 10229, C replaced by A.
Protein change: p.Pro3410Gln; replaces proline 3410 with glutamine.
Molecular consequence: missense variant.
Genome position (GRCh38, 1-based): chr19:38,519,424, C>A. VCF-style: chr19-38519424-C-A. GRCh37 (hg19) VCF-style: chr19-39010064-C-A.
Other names: c.10229C>A, p.Pro3410Gln (NM_001042723.2); short protein forms P3410Q.
Identifiers: ClinVar variation 1210305 (VCV001210305.3), dbSNP rs769196275, ClinGen allele CA405696626.